The following is an entry in ClinVar:

NM_002485.5(NBN):c.527A>C (p.Tyr176Ser)

Gene: NBN (nibrin; minus strand). Cytogenetic location: 8q21.3.
Variant type: single nucleotide variant.
Coding change: c.527A>C on transcript NM_002485.5 (MANE Select); coding-DNA position 527, A replaced by C.
Protein change: p.Tyr176Ser; replaces tyrosine 176 with serine.
Molecular consequence: missense variant.
Genome position (GRCh38, 1-based): chr8:89,978,277, T>G on the plus strand (A>C on the coding strand, the complement: NBN is on the minus strand). VCF-style: chr8-89978277-T-G. GRCh37 (hg19) VCF-style: chr8-90990505-T-G.
Other names: c.281A>C, p.Tyr94Ser (NM_001024688.3); short protein forms Y176S, Y94S.
Identifiers: ClinVar variation 3724740 (VCV003724740.2).

ClinVar aggregate classification (germline): Uncertain significance (1 of 4 stars; one submission).

Conditions:
Microcephaly, normal intelligence and immunodeficiency (NBS). Also called: Nijmegen breakage syndrome; Microcephaly with normal intelligence immunodeficiency and lymphoreticular malignancies; Nonsyndromal microcephaly autosomal recessive with normal intelligence; Seemanova syndrome 2; BERLIN BREAKAGE SYNDROME; IMMUNODEFICIENCY, MICROCEPHALY, AND CHROMOSOMAL INSTABILITY. Identifiers: Orphanet 647, MedGen C0398791, MONDO:0009623, OMIM 251260.

Submission:

Labcorp Genetics (formerly Invitae), Labcorp
Classification: Uncertain significance for Microcephaly, normal intelligence and immunodeficiency. Last evaluated: 2024-11-06. Review status: criteria provided, single submitter. Criteria: Invitae Variant Classification Sherloc (09022015). Collection method: clinical testing. Allele origin: germline.
Comment: This sequence change replaces tyrosine, which is neutral and polar, with serine, which is neutral and polar, at codon 176 of the NBN protein (p.Tyr176Ser). This variant is not present in population databases (gnomAD no frequency). This variant has not been reported in the literature in individuals affected with NBN-related conditions. An algorithm developed to predict the effect of missense changes on protein structure and function (PolyPhen-2) suggests that this variant is likely to be disruptive. In summary, the available evidence is currently insufficient to determine the role of this variant in disease. Therefore, it has been classified as a Variant of Uncertain Significance.